The following is an entry in ClinVar:

ClinVar aggregate classification (germline): Uncertain significance (1 of 4 stars; one submission).

Conditions:
Cardiovascular phenotype. Identifiers: MedGen CN230736.

Allele frequency attached by ClinVar (database versions not stated): gnomAD exomes 0.00001; ExAC 0.00002; gnomAD 0.00002; TOPMed 0.00002.
gnomAD v4.1: 24 of 1,614,044 alleles (0.0015%); highest among the groups gnomAD compares: Non-Finnish European, 0.0017%; no homozygotes.

Submission:

Ambry Genetics
Classification: Uncertain significance for Cardiovascular phenotype. Last evaluated: 2022-10-03. Review status: criteria provided, single submitter. Criteria: Ambry Variant Classification Scheme 2023. Collection method: clinical testing. Allele origin: germline.
Comment: The c.-2G>A variant is located in the 5' untranslated region (5&rsquo; UTR) of the CACNB2 gene. This variant results from a G to A substitution 2 bases upstream from the first translated codon. Based on nucleotide sequence alignment, this position is well conserved in available vertebrate species. The evidence for this gene-disease relationship is limited; therefore, the clinical significance of this alteration is unclear.

NM_201596.3(CACNB2):c.214-60999G>A

Gene: CACNB2 (calcium voltage-gated channel auxiliary subunit beta 2; plus strand). Cytogenetic location: 10p12.32.
Variant type: single nucleotide variant.
Coding change: c.214-60999G>A on transcript NM_201596.3 (MANE Select); 60999 bases into the intron before coding-DNA position 214, G replaced by A.
Molecular consequence: intron variant. On other transcripts: 5 prime UTR variant (1).
Genome position (GRCh38, 1-based): chr10:18,340,925, G>A. VCF-style: chr10-18340925-G-A. GRCh37 (hg19) VCF-style: chr10-18629854-G-A.
Other names: c.-2G>A (NM_201590.3); c.130-60999G>A (NM_201571.4, NM_001167945.2, NM_201572.4); c.214-60999G>A (NM_201593.3, NM_201597.3); c.49-60999G>A (NM_000724.4, NM_001330060.2).
Identifiers: ClinVar variation 1798664 (VCV001798664.2), dbSNP rs764008396, ClinGen allele CA5429491.